The following is an entry in ClinVar:

ClinVar aggregate classification (germline): Pathogenic (1 of 4 stars; one submission).

Conditions:
Hereditary breast ovarian cancer syndrome. Also called: BRCA1- and BRCA2-Associated Hereditary Breast and Ovarian Cancer; Hereditary breast and ovarian cancer; Hereditary breast and ovarian cancer syndrome (HBOC); Hereditary breast and/or ovarian cancer syndrome; Hereditary breast and ovarian cancer syndrome; Breast and ovarian cancer. Identifiers: Orphanet 145, MedGen C0677776, MeSH D061325, MONDO:0003582. Disease mechanism: loss of function.

Submission:

GeneKor MSA
Classification: Pathogenic for Hereditary breast ovarian cancer syndrome. Last evaluated: 2025-05-15. Review status: criteria provided, single submitter. Criteria: ACMG Guidelines, 2015. Collection method: clinical testing. Allele origin: germline. Affected: no.
Comment: This variant is a single nucleotide deletion in exon 10 of the BRCA2 mRNA - c.(1416del). This creates a premature translational stop signal 13 amino acid residues later p.( Gln472Hisfs*13) and is expected to result in an absent or non-functional protein product. Loss-of-function variants in BRCA2 are known to be pathogenic (PMID:20104584). This variant is not present in population databases or in the mutation database ClinVar and has not been reported in individuals affected with hereditary cancer in the literature. Based on the classification criteria set by the ACMG and AMP (PMID:25741868) this variant has been classified as pathogenic.

Literature cited by the submitters: PubMed 20104584.

NM_000059.4(BRCA2):c.1416del (p.Gln472fs)

Gene: BRCA2 (BRCA2 DNA repair associated; plus strand). Cytogenetic location: 13q13.1.
Variant type: Deletion.
Coding change: c.1416del on transcript NM_000059.4 (MANE Select); coding-DNA position 1416, one base deleted (G; older notation c.1416delG).
Protein change: p.Gln472fs; shifts the reading frame from glutamine 472.
Molecular consequence: frameshift variant. On other transcripts: non-coding transcript variant (1), intron variant (1).
Genome position (GRCh38, 1-based): chr13:32,332,894, G deleted. VCF-style (leftmost placement, unchanged base first): chr13-32332893-AG-A. GRCh37 (hg19) VCF-style: chr13-32907030-AG-A.
Other names: c.1416del, p.Gln472fs (NM_001406719.1, NM_001406720.1, NM_001406721.1 and 1 more transcripts); c.424+1864del (NM_001406722.1); short protein forms Q472fs.
Identifiers: ClinVar variation 4077043 (VCV004077043.1).
Genomic context (GRCh38, chr13:32,332,893, plus strand): 5'-TACCAAAATCAGAGAAGCCATTAAATGAGGAAACAGTGGTAAATAAGAGAGATGAAGAGC[AG>A]CATCTTGAATCTCATACAGACTGCATTCTTGCAGTAAAGCAGGCAATATCTGGAACTTCT-3'